The following is an entry in ClinVar:

ClinVar aggregate classification (germline): Uncertain significance (1 of 4 stars; one submission).

gnomAD v4.1: 3 of 1,613,748 alleles (0.00019%); highest among the groups gnomAD compares: Non-Finnish European, 0.00025%; no homozygotes.

Submission:

Labcorp Genetics (formerly Invitae), Labcorp
Classification: Uncertain significance. Last evaluated: 2024-04-25. Review status: criteria provided, single submitter. Criteria: Invitae Variant Classification Sherloc (09022015). Collection method: clinical testing. Allele origin: germline.
Comment: This sequence change replaces threonine, which is neutral and polar, with methionine, which is neutral and non-polar, at codon 257 of the ITGAM protein (p.Thr257Met). This variant is not present in population databases (gnomAD no frequency). This variant has not been reported in the literature in individuals affected with ITGAM-related conditions. An algorithm developed to predict the effect of missense changes on protein structure and function (PolyPhen-2) suggests that this variant is likely to be disruptive. In summary, the available evidence is currently insufficient to determine the role of this variant in disease. Therefore, it has been classified as a Variant of Uncertain Significance.

NM_000632.4(ITGAM):c.770C>T (p.Thr257Met)

Genes: ITGAM (integrin subunit alpha M; plus strand), LOC126862332 (BRD4-independent group 4 enhancer GRCh37_chr16:31284654-31285853; plus strand). Cytogenetic location: 16p11.2.
Variant type: single nucleotide variant.
Coding change: c.770C>T on transcript NM_000632.4 (MANE Select); coding-DNA position 770, C replaced by T.
Protein change: p.Thr257Met; replaces threonine 257 with methionine.
Molecular consequence: missense variant.
Genome position (GRCh38, 1-based): chr16:31,273,430, C>T. VCF-style: chr16-31273430-C-T. GRCh37 (hg19) VCF-style: chr16-31284751-C-T.
Other names: c.770C>T, p.Thr257Met (NM_001145808.2); short protein forms T257M.
Identifiers: ClinVar variation 3683408 (VCV003683408.2).